The following is an entry in ClinVar:

ClinVar aggregate classification (germline): Uncertain significance (1 of 4 stars; one submission).

Conditions:
POLD1-related polyposis and colorectal cancer syndrome (CRCS10). Also called: Colorectal cancer 10; COLORECTAL CANCER, SUSCEPTIBILITY TO, ON CHROMOSOME 19q; Colorectal cancer, susceptibility to, 10. Identifiers: Orphanet 220460, MedGen C2675481, MONDO:0012953, OMIM 612591.

Submission:

Labcorp Genetics (formerly Invitae), Labcorp
Classification: Uncertain significance for POLD1-related polyposis and colorectal cancer syndrome. Last evaluated: 2020-02-11. Review status: criteria provided, single submitter. Criteria: Invitae Variant Classification Sherloc (09022015). Collection method: clinical testing. Allele origin: germline.
Comment: This variant is not present in population databases (ExAC no frequency). This variant has not been reported in the literature in individuals with POLD1-related conditions. Algorithms developed to predict the effect of missense changes on protein structure and function are either unavailable or do not agree on the potential impact of this missense change (SIFT: "Tolerated"; PolyPhen-2: "Possibly Damaging"; Align-GVGD: "Class C0"). In summary, the available evidence is currently insufficient to determine the role of this variant in disease. Therefore, it has been classified as a Variant of Uncertain Significance. This sequence change replaces asparagine with histidine at codon 169 of the POLD1 protein (p.Asn169His). The asparagine residue is moderately conserved and there is a small physicochemical difference between asparagine and histidine.

NM_002691.4(POLD1):c.505A>C (p.Asn169His)

Gene: POLD1 (DNA polymerase delta 1, catalytic subunit; plus strand). Cytogenetic location: 19q13.33.
Variant type: single nucleotide variant.
Coding change: c.505A>C on transcript NM_002691.4 (MANE Select); coding-DNA position 505, A replaced by C.
Protein change: p.Asn169His; replaces asparagine 169 with histidine.
Molecular consequence: missense variant. On other transcripts: non-coding transcript variant (1).
Genome position (GRCh38, 1-based): chr19:50,402,040, A>C. VCF-style: chr19-50402040-A-C. GRCh37 (hg19) VCF-style: chr19-50905297-A-C.
Other names: c.505A>C, p.Asn169His (NM_001256849.1, NM_001308632.1); short protein forms N169H.
Identifiers: ClinVar variation 1009859 (VCV001009859.9), dbSNP rs2038660010, ClinGen allele CA406973061.